The following is an entry in ClinVar:

NM_017986.4(SLC52A1):c.887T>C (p.Val296Ala)

Gene: SLC52A1 (solute carrier family 52 member 1; minus strand). Cytogenetic location: 17p13.2.
Variant type: single nucleotide variant.
Coding change: c.887T>C on transcript NM_017986.4 (MANE Select); coding-DNA position 887, T replaced by C.
Protein change: p.Val296Ala; replaces valine 296 with alanine.
Molecular consequence: missense variant.
Genome position (GRCh38, 1-based): chr17:5,033,602, A>G on the plus strand (T>C on the coding strand, the complement: SLC52A1 is on the minus strand). VCF-style: chr17-5033602-A-G. GRCh37 (hg19) VCF-style: chr17-4936897-A-G.
Other names: c.887T>C, p.Val296Ala (NM_001104577.2); short protein forms V296A.
Identifiers: ClinVar variation 3444809 (VCV003444809.3).

ClinVar aggregate classification (germline): Uncertain significance. Review status: criteria provided, multiple submitters, no conflicts (2 of 4 stars). 2 submissions from 2 submitters: Uncertain significance (2). Last evaluated 2024-09-27.

Conditions:
Vitamin B2 deficiency. Identifiers: MedGen C0035528.

Submissions (2):

Ambry Genetics
Classification: Uncertain significance. Last evaluated: 2024-09-27. Review status: criteria provided, single submitter. Criteria: Ambry Variant Classification Scheme 2023. Collection method: clinical testing. Allele origin: germline.

Labcorp Genetics (formerly Invitae), Labcorp
Classification: Uncertain significance for Vitamin B2 deficiency. Last evaluated: 2024-07-30. Review status: criteria provided, single submitter. Criteria: Invitae Variant Classification Sherloc (09022015). Collection method: clinical testing. Allele origin: germline.
Comment: This sequence change replaces valine, which is neutral and non-polar, with alanine, which is neutral and non-polar, at codon 296 of the SLC52A1 protein (p.Val296Ala). This variant is not present in population databases (gnomAD no frequency). This variant has not been reported in the literature in individuals affected with SLC52A1-related conditions. Advanced modeling of protein sequence and biophysical properties (such as structural, functional, and spatial information, amino acid conservation, physicochemical variation, residue mobility, and thermodynamic stability) performed at Invitae indicates that this missense variant is not expected to disrupt SLC52A1 protein function with a negative predictive value of 80%. In summary, the available evidence is currently insufficient to determine the role of this variant in disease. Therefore, it has been classified as a Variant of Uncertain Significance.